The following is an entry in ClinVar:

ClinVar aggregate classification (germline): Uncertain significance. Review status: criteria provided, multiple submitters, no conflicts (2 of 4 stars). 5 submissions from 5 submitters: Uncertain significance (5). Last evaluated 2026-01-11.

Conditions:
Hereditary cancer-predisposing syndrome. Also called: Neoplastic Syndromes, Hereditary; Tumor predisposition; Hereditary Cancer Syndrome; Hereditary neoplastic syndrome. Identifiers: Orphanet 140162, MedGen C0027672, MeSH D009386, MONDO:0015356.
Familial cancer of breast. Also called: BREAST CANCER, FAMILIAL; hereditary breast carcinoma; Hereditary breast cancer. Identifiers: Orphanet 227535, MedGen C0346153, MONDO:0016419, OMIM 114480. Disease mechanism: loss of function.

Submissions (5):

Labcorp Genetics (formerly Invitae), Labcorp
Classification: Uncertain significance for Familial cancer of breast. Last evaluated: 2026-01-11. Review status: criteria provided, single submitter. Criteria: Invitae Variant Classification Sherloc (09022015). Collection method: clinical testing. Allele origin: germline.
Comment: This sequence change replaces lysine, which is basic and polar, with asparagine, which is neutral and polar, at codon 231 of the PALB2 protein (p.Lys231Asn). This variant is not present in population databases (gnomAD no frequency). This variant has not been reported in the literature in individuals affected with PALB2-related conditions. ClinVar contains an entry for this variant (Variation ID: 230928). An algorithm developed to predict the effect of missense changes on protein structure and function outputs the following: PolyPhen-2: "Benign". The asparagine amino acid residue is found in multiple mammalian species, which suggests that this missense change does not adversely affect protein function. In summary, the available evidence is currently insufficient to determine the role of this variant in disease. Therefore, it has been classified as a Variant of Uncertain Significance.

Color Diagnostics, LLC DBA Color Health
Classification: Uncertain significance for Hereditary cancer-predisposing syndrome. Last evaluated: 2024-01-18. Review status: criteria provided, single submitter. Criteria: ACMG Guidelines, 2015. Collection method: clinical testing. Allele origin: germline.
Comment: This missense variant replaces lysine with asparagine at codon 231 of the PALB2 protein. Computational prediction suggests that this variant may not impact protein structure and function. To our knowledge, functional studies have not been reported for this variant nor has this variant has been reported as a germline mutation in individuals affected with hereditary cancer in the literature. This variant has not been identified in the general population by the Genome Aggregation Database (gnomAD). The available evidence is insufficient to determine the role of this variant in disease conclusively. Therefore, this variant is classified as a Variant of Uncertain Significance.

Ambry Genetics
Classification: Uncertain significance for Hereditary cancer-predisposing syndrome. Last evaluated: 2023-12-11. Review status: criteria provided, single submitter. Criteria: Ambry Variant Classification Scheme 2023. Collection method: clinical testing. Allele origin: germline.
Comment: The p.K231N variant (also known as c.693A>T), located in coding exon 4 of the PALB2 gene, results from an A to T substitution at nucleotide position 693. The lysine at codon 231 is replaced by asparagine, an amino acid with similar properties. This amino acid position is poorly conserved in available vertebrate species. In addition, this alteration is predicted to be tolerated by in silico analysis. Since supporting evidence is limited at this time, the clinical significance of this alteration remains unclear.

GeneDx
Classification: Uncertain significance. Last evaluated: 2023-05-02. Review status: criteria provided, single submitter. Criteria: GeneDx Variant Classification Process June 2021. Collection method: clinical testing. Allele origin: germline. Affected: yes.
Comment: Not observed at significant frequency in large population cohorts (gnomAD); In silico analysis supports that this missense variant does not alter protein structure/function; Has not been previously published as pathogenic or benign to our knowledge; This variant is associated with the following publications: (PMID: 19369211)

Genetics and Molecular Pathology, SA Pathology
Classification: Uncertain significance for Familial cancer of breast. Last evaluated: 2020-10-14. Review status: criteria provided, single submitter. Criteria: ACMG Guidelines, 2015. Collection method: clinical testing. Allele origin: germline. Inheritance: Autosomal dominant inheritance. Affected: yes.

NM_024675.4(PALB2):c.693A>T (p.Lys231Asn)

Gene: PALB2 (partner and localizer of BRCA2; minus strand). Cytogenetic location: 16p12.2.
Variant type: single nucleotide variant.
Coding change: c.693A>T on transcript NM_024675.4 (MANE Select); coding-DNA position 693, A replaced by T.
Protein change: p.Lys231Asn; replaces lysine 231 with asparagine.
Molecular consequence: missense variant.
Genome position (GRCh38, 1-based): chr16:23,635,853, T>A on the plus strand (A>T on the coding strand, the complement: PALB2 is on the minus strand). VCF-style: chr16-23635853-T-A. GRCh37 (hg19) VCF-style: chr16-23647174-T-A.
Other names: short protein forms K231N.
Identifiers: ClinVar variation 230928 (VCV000230928.21), dbSNP rs876658847, ClinGen allele CA10580033.
Genomic context (GRCh38, chr16:23,635,853, plus strand): 5'-CTGTAAAGGAACTGTAGTCGCCCTGGTGAAATTAGGTCTTCTTAGGAATGTATCAACACC[T>A]TTTTCTGGTTGGGCAGTTGGTGGAATTAATACACTGTCTTCATTAATTTCTGTAACTGGT-3'
Protein context (NP_078951.2, residues 221-241): VLIPPTAQPE[Lys231Asn]GVDTFLRRPN